The following is an entry in ClinVar:

NM_000260.4(MYO7A):c.2576_2577del (p.Leu859fs)

Gene: MYO7A (myosin VIIA; plus strand). Cytogenetic location: 11q13.5.
Variant type: Deletion.
Coding change: c.2576_2577del on transcript NM_000260.4 (MANE Select); coding-DNA positions 2576 to 2577, 2 bases deleted (TC; older notation c.2576_2577delTC).
Protein change: p.Leu859fs; shifts the reading frame from leucine 859.
Molecular consequence: frameshift variant.
Genome position (GRCh38, 1-based): chr11:77,179,943-77,179,944, TC deleted; deleting any 2 consecutive bases within chr11:77,179,942-77,179,944 gives the same sequence; the c. name uses the placement nearest the transcript's 3' end. VCF-style (leftmost placement, unchanged base first): chr11-77179941-CCT-C. GRCh37 (hg19) VCF-style: chr11-76890987-CCT-C.
Other names: c.2576_2577del, p.Leu859fs (NM_001127180.2); c.2543_2544del, p.Leu848fs (NM_001369365.1); short protein forms L848fs, L859fs.
Identifiers: ClinVar variation 1724803 (VCV001724803.2), dbSNP rs2497178838, ClinGen allele CA2580084915.

ClinVar aggregate classification (germline): Likely pathogenic (1 of 4 stars; one submission).

Conditions:
Usher syndrome type 1 (USH1). Also called: RETINITIS PIGMENTOSA AND CONGENITAL DEAFNESS. Identifiers: Orphanet 231169, Orphanet 886, MedGen C1568247, MONDO:0010168, OMIM 276900.

Submission:

Myriad Genetics, Inc.
Classification: Likely pathogenic for Usher syndrome type 1. Last evaluated: 2022-02-28. Review status: criteria provided, single submitter. Criteria: Myriad Women's Health Autosomal Recessive and X-Linked Classification Criteria (2021). Collection method: clinical testing. Allele origin: unknown.
Comment: NM_000260.3(MYO7A):c.2576_2577delTC(L859Qfs*3) is expected to be pathogenic in the context of MYO7A-related disorders. This variant is predicted to lead to an abnormal or absent protein product due to the creation of a premature termination codon in MYO7A, a gene where loss-of-function variants are known to be pathogenic. Please note: this variant was assessed in the context of healthy population screening.